The following is an entry in ClinVar:

ClinVar aggregate classification (germline): Uncertain significance (1 of 4 stars; one submission).

Conditions:
Inborn genetic diseases. Identifiers: MedGen C0950123, MeSH D030342.

gnomAD v4.1: 1 of 1,607,154 alleles (0.000062%); no homozygotes.

Submission:

Ambry Genetics
Classification: Uncertain significance for Inborn genetic diseases. Last evaluated: 2025-04-02. Review status: criteria provided, single submitter. Criteria: Ambry Variant Classification Scheme 2023. Collection method: clinical testing. Allele origin: germline.
Comment: The c.2588C>T (p.A863V) alteration is located in exon 22 (coding exon 22) of the FBXO11 gene. This alteration results from a C to T substitution at nucleotide position 2588, causing the alanine (A) at amino acid position 863 to be replaced by a valine (V). This variant was not reported in population-based cohorts in the Genome Aggregation Database (gnomAD). This amino acid position is highly conserved in available vertebrate species. This missense alteration is located in a region that has a low rate of benign missense variation (Lek, 2016; Firth, 2009). The in silico prediction for this alteration is inconclusive. Based on insufficient or conflicting evidence, the clinical significance of this alteration remains unclear.

NM_001190274.2(FBXO11):c.2588C>T (p.Ala863Val)

Genes: FBXO11 (F-box protein 11; minus strand), MSH6 (mutS homolog 6; plus strand). Cytogenetic location: 2p16.3.
Variant type: single nucleotide variant.
Coding change: c.2588C>T on transcript NM_001190274.2 (MANE Select); coding-DNA position 2588, C replaced by T.
Protein change: p.Ala863Val; replaces alanine 863 with valine.
Molecular consequence: missense variant. On other transcripts: intron variant (6).
Genome position (GRCh38, 1-based): chr2:47,808,395, G>A on the plus strand (C>T on the coding strand, the complement: FBXO11 is on the minus strand). VCF-style: chr2-47808395-G-A. GRCh37 (hg19) VCF-style: chr2-48035534-G-A.
Other names: c.2336C>T, p.Ala779Val (NM_001374325.1, NM_025133.4); c.*43+1492G>A (NM_001406809.1); c.*40+1495G>A (NM_001406796.1, NM_001406811.1, NM_001406805.1 and 2 more transcripts); short protein forms A779V, A863V.
Identifiers: ClinVar variation 4023709 (VCV004023709.1).